The following is an entry in ClinVar:

ClinVar aggregate classification (germline): Uncertain significance. Review status: criteria provided, multiple submitters, no conflicts (2 of 4 stars). 3 submissions from 3 submitters: Uncertain significance (3). Last evaluated 2023-12-29.

Conditions:
Arterial tortuosity syndrome (ATORS). Identifiers: Orphanet 3342, MedGen C1859726, MONDO:0008818, OMIM 208050.
Familial thoracic aortic aneurysm and aortic dissection (TAAD). Also called: Thoracic aortic aneurysms and dissections. Identifiers: Orphanet 91387, MedGen C4707243, MONDO:0019625.

Allele frequency attached by ClinVar (database versions not stated): gnomAD exomes 0.00001 and 0.00003; ExAC 0.00002.

Submissions (3):

Ambry Genetics
Classification: Uncertain significance for Familial thoracic aortic aneurysm and aortic dissection. Last evaluated: 2023-12-29. Review status: criteria provided, single submitter. Criteria: Ambry Variant Classification Scheme 2023. Collection method: clinical testing. Allele origin: germline.
Comment: The p.M167I variant (also known as c.501G>A), located in coding exon 2 of the SLC2A10 gene, results from a G to A substitution at nucleotide position 501. The methionine at codon 167 is replaced by isoleucine, an amino acid with highly similar properties. This amino acid position is highly conserved in available vertebrate species. In addition, this alteration is predicted to be deleterious by in silico analysis. Since supporting evidence is limited at this time, the clinical significance of this alteration remains unclear.

Labcorp Genetics (formerly Invitae), Labcorp
Classification: Uncertain significance for Arterial tortuosity syndrome. Last evaluated: 2022-05-22. Review status: criteria provided, single submitter. Criteria: Invitae Variant Classification Sherloc (09022015). Collection method: clinical testing. Allele origin: germline.
Comment: This sequence change replaces methionine, which is neutral and non-polar, with isoleucine, which is neutral and non-polar, at codon 167 of the SLC2A10 protein (p.Met167Ile). In summary, the available evidence is currently insufficient to determine the role of this variant in disease. Therefore, it has been classified as a Variant of Uncertain Significance. Advanced modeling of protein sequence and biophysical properties (such as structural, functional, and spatial information, amino acid conservation, physicochemical variation, residue mobility, and thermodynamic stability) performed at Invitae indicates that this missense variant is expected to disrupt SLC2A10 protein function. ClinVar contains an entry for this variant (Variation ID: 897833). This variant has not been reported in the literature in individuals affected with SLC2A10-related conditions. This variant is present in population databases (rs763979126, gnomAD 0.003%).

Illumina Laboratory Services, Illumina
Classification: Uncertain significance for Arterial tortuosity syndrome. Last evaluated: 2018-01-13. Review status: criteria provided, single submitter. Criteria: ICSL Variant Classification Criteria 13 December 2019. Collection method: clinical testing. Allele origin: germline.

NM_030777.4(SLC2A10):c.501G>A (p.Met167Ile)

Gene: SLC2A10 (solute carrier family 2 member 10; plus strand). Cytogenetic location: 20q13.12.
Variant type: single nucleotide variant.
Coding change: c.501G>A on transcript NM_030777.4 (MANE Select); coding-DNA position 501, G replaced by A.
Protein change: p.Met167Ile; replaces methionine 167 with isoleucine.
Molecular consequence: missense variant.
Genome position (GRCh38, 1-based): chr20:46,725,537, G>A. VCF-style: chr20-46725537-G-A. GRCh37 (hg19) VCF-style: chr20-45354176-G-A.
Other names: short protein forms M167I.
Identifiers: ClinVar variation 897833 (VCV000897833.8), dbSNP rs763979126, ClinGen allele CA9891987.